The following is an entry in ClinVar:

NM_206933.4(USH2A):c.14434A>T (p.Asn4812Tyr)

Gene: USH2A (usherin; minus strand). Cytogenetic location: 1q41.
Variant type: single nucleotide variant.
Coding change: c.14434A>T on transcript NM_206933.4 (MANE Select); coding-DNA position 14434, A replaced by T.
Protein change: p.Asn4812Tyr; replaces asparagine 4812 with tyrosine.
Molecular consequence: missense variant.
Genome position (GRCh38, 1-based): chr1:215,648,676, T>A on the plus strand (A>T on the coding strand, the complement: USH2A is on the minus strand). VCF-style: chr1-215648676-T-A. GRCh37 (hg19) VCF-style: chr1-215822018-T-A.
Other names: short protein forms N4812Y.
Identifiers: ClinVar variation 968259 (VCV000968259.7), dbSNP rs746985615, ClinGen allele CA1393020.

ClinVar aggregate classification (germline): Uncertain significance. Review status: criteria provided, single submitter (1 of 4 stars). 2 submissions from 2 submitters: Uncertain significance (1). 1 of the submissions does not count toward it. Last evaluated 2022-08-28.

Conditions:
Usher syndrome type 2A. Also called: RETINAL DISEASE IN USHER SYNDROME TYPE IIA, MODIFIER OF; USHER SYNDROME, TYPE IIA. Identifiers: Orphanet 231178, Orphanet 886, MedGen C1848634, MONDO:0010169, OMIM 276901.

Allele frequency attached by ClinVar (database versions not stated): gnomAD exomes below 0.00001 and 0.00001; ExAC 0.00001.

Submissions (2):

Labcorp Genetics (formerly Invitae), Labcorp
Classification: Uncertain significance. Last evaluated: 2022-08-28. Review status: criteria provided, single submitter. Criteria: Invitae Variant Classification Sherloc (09022015). Collection method: clinical testing. Allele origin: germline.
Comment: This sequence change replaces asparagine, which is neutral and polar, with tyrosine, which is neutral and polar, at codon 4812 of the USH2A protein (p.Asn4812Tyr). This variant is present in population databases (rs746985615, gnomAD 0.0009%). This variant has not been reported in the literature in individuals affected with USH2A-related conditions. ClinVar contains an entry for this variant (Variation ID: 968259). Algorithms developed to predict the effect of missense changes on protein structure and function are either unavailable or do not agree on the potential impact of this missense change (SIFT: "Deleterious"; PolyPhen-2: "Benign"; Align-GVGD: "Class C0"). In summary, the available evidence is currently insufficient to determine the role of this variant in disease. Therefore, it has been classified as a Variant of Uncertain Significance.

Natera, Inc.
Classification: Uncertain significance for Usher syndrome type 2A. Last evaluated: 2021-03-11. Review status: no assertion criteria provided. Collection method: clinical testing. Allele origin: germline. Not counted in ClinVar's aggregate classification.